The following is an entry in ClinVar:

NM_144773.4(PROKR2):c.295G>A (p.Asp99Asn)

Gene: PROKR2 (prokineticin receptor 2; minus strand). Cytogenetic location: 20p12.3.
Variant type: single nucleotide variant.
Coding change: c.295G>A on transcript NM_144773.4 (MANE Select); coding-DNA position 295, G replaced by A.
Protein change: p.Asp99Asn; replaces aspartic acid 99 with asparagine.
Molecular consequence: missense variant.
Genome position (GRCh38, 1-based): chr20:5,314,075, C>T on the plus strand (G>A on the coding strand, the complement: PROKR2 is on the minus strand). VCF-style: chr20-5314075-C-T. GRCh37 (hg19) VCF-style: chr20-5294721-C-T.
Other names: short protein forms D99N.
Identifiers: ClinVar variation 3587526 (VCV003587526.3).

ClinVar aggregate classification (germline): Uncertain significance. Review status: criteria provided, multiple submitters, no conflicts (2 of 4 stars). 2 submissions from 2 submitters: Uncertain significance (2). Last evaluated 2025-07-07.

Conditions:
Hypogonadotropic hypogonadism 3 with or without anosmia (HH3). Also called: HYPOGONADOTROPIC HYPOGONADISM 3 WITH ANOSMIA; PROKR2-Related GnRH Deficiency (Kallmann Syndrome 3). Identifiers: Orphanet 478, MedGen C3550478, MONDO:0009482, OMIM 244200.

gnomAD v4.1: 22 of 1,614,042 alleles (0.0014%); highest among the groups gnomAD compares: Admixed American, 0.0017%; no homozygotes.

Submissions (2):

Labcorp Genetics (formerly Invitae), Labcorp
Classification: Uncertain significance. Last evaluated: 2025-07-07. Review status: criteria provided, single submitter. Criteria: Invitae Variant Classification Sherloc (09022015). Collection method: clinical testing. Allele origin: germline.
Comment: This sequence change replaces aspartic acid, which is acidic and polar, with asparagine, which is neutral and polar, at codon 99 of the PROKR2 protein (p.Asp99Asn). This variant is present in population databases (rs773364376, gnomAD 0.01%). This variant has not been reported in the literature in individuals affected with PROKR2-related conditions. ClinVar contains an entry for this variant (Variation ID: 3587526). Invitae Evidence Modeling of protein sequence and biophysical properties (such as structural, functional, and spatial information, amino acid conservation, physicochemical variation, residue mobility, and thermodynamic stability) indicates that this missense variant is expected to disrupt PROKR2 protein function with a positive predictive value of 80%. In summary, the available evidence is currently insufficient to determine the role of this variant in disease. Therefore, it has been classified as a Variant of Uncertain Significance.

Fulgent Genetics
Classification: Uncertain significance for Hypogonadotropic hypogonadism 3 with or without anosmia. Last evaluated: 2024-05-22. Review status: criteria provided, single submitter. Criteria: ACMG Guidelines, 2015. Collection method: clinical testing. Allele origin: germline.